The following is an entry in ClinVar:

ClinVar aggregate classification (germline): Uncertain significance (1 of 4 stars; one submission).

Conditions:
Hereditary cancer-predisposing syndrome. Also called: Neoplastic Syndromes, Hereditary; Tumor predisposition; Hereditary Cancer Syndrome; Hereditary neoplastic syndrome. Identifiers: Orphanet 140162, MedGen C0027672, MeSH D009386, MONDO:0015356.

Submission:

Ambry Genetics
Classification: Uncertain significance for Hereditary cancer-predisposing syndrome. Last evaluated: 2026-04-15. Review status: criteria provided, single submitter. Criteria: Ambry Variant Classification Scheme 2023. Collection method: clinical testing. Allele origin: germline.
Comment: The p.L875Q variant (also known as c.2624T>A), located in coding exon 25 of the RB1 gene, results from a T to A substitution at nucleotide position 2624. The leucine at codon 875 is replaced by glutamine, an amino acid with dissimilar properties. This amino acid position is conserved. In addition, this alteration is predicted to be deleterious by in silico analysis. Based on the available evidence, the clinical significance of this variant remains unclear.

NM_000321.3(RB1):c.2624T>A (p.Leu875Gln)

Gene: RB1 (RB transcriptional corepressor 1; plus strand). Cytogenetic location: 13q14.2.
Variant type: single nucleotide variant.
Coding change: c.2624T>A on transcript NM_000321.3 (MANE Select); coding-DNA position 2624, T replaced by A.
Protein change: p.Leu875Gln; replaces leucine 875 with glutamine.
Molecular consequence: missense variant.
Genome position (GRCh38, 1-based): chr13:48,476,804, T>A. VCF-style: chr13-48476804-T-A. GRCh37 (hg19) VCF-style: chr13-49050940-T-A.
Other names: c.2624T>A, p.Leu875Gln (NM_001407165.1); c.74T>A, p.Leu25Gln (NM_001407168.1); short protein forms L25Q, L875Q.
Identifiers: ClinVar variation 4863015 (VCV004863015.1).